The following is an entry in ClinVar:

ClinVar aggregate classification (germline): Likely benign (1 of 4 stars; one submission).

gnomAD v4.1: 2 of 1,613,778 alleles (0.00012%); highest among the groups gnomAD compares: Admixed American, 0.0033%; no homozygotes.

Submission:

Molecular Diagnostic Laboratory for Inherited Cardiovascular Disease, Montreal Heart Institute
Classification: Likely benign. Last evaluated: 2025-04-09. Review status: criteria provided, single submitter. Criteria: ACMG Guidelines, 2015. Collection method: clinical testing. Allele origin: germline. Affected: no.
Comment: BP1

NM_001267550.2(TTN):c.7887G>C (p.Gln2629His)

Gene: TTN (titin; minus strand). Cytogenetic location: 2q31.2.
Variant type: single nucleotide variant.
Coding change: c.7887G>C on transcript NM_001267550.2 (MANE Select); coding-DNA position 7887, G replaced by C.
Protein change: p.Gln2629His; replaces glutamine 2629 with histidine.
Molecular consequence: missense variant.
Genome position (GRCh38, 1-based): chr2:178,771,440, C>G on the plus strand (G>C on the coding strand, the complement: TTN is on the minus strand). VCF-style: chr2-178771440-C-G. GRCh37 (hg19) VCF-style: chr2-179636167-C-G.
Other names: c.7887G>C, p.Gln2629His (NM_001256850.1, NM_133378.4, NM_133379.5); c.7749G>C, p.Gln2583His (NM_003319.4, NM_133432.3, NM_133437.4); short protein forms Q2583H, Q2629H.
Identifiers: ClinVar variation 3895079 (VCV003895079.1).
Genomic context (GRCh38, chr2:178,771,440, plus strand): 5'-TTTGGAATCTGGGTTGGCAACTTCACATTCAAACACAGCTTCCTGGGATTCAGCTACGGT[C>G]TGATCTGTGAGTGGCTTGGAGATGGCCCCACCTTTGGAACAAGAGATGTACAGTATGAGT-3'
Protein context (NP_001254479.2, residues 2619-2639): GGAISKPLTD[Gln2629His]TVAESQEAVF